The following is an entry in ClinVar:

NM_000038.6(APC):c.3168A>G (p.Ile1056Met)

Gene: APC (APC regulator of Wnt signaling pathway; plus strand). Cytogenetic location: 5q22.2.
Variant type: single nucleotide variant.
Coding change: c.3168A>G on transcript NM_000038.6 (MANE Select); coding-DNA position 3168, A replaced by G.
Protein change: p.Ile1056Met; replaces isoleucine 1056 with methionine.
Molecular consequence: missense variant.
Genome position (GRCh38, 1-based): chr5:112,838,762, A>G. VCF-style: chr5-112838762-A-G. GRCh37 (hg19) VCF-style: chr5-112174459-A-G.
Other names: c.3168A>G, p.Ile1056Met (NM_001127510.3, NM_001354895.2, NM_001407450.1); c.3114A>G, p.Ile1038Met (NM_001127511.3); c.3222A>G, p.Ile1074Met (NM_001354896.2, NM_001407447.1, NM_001407448.1 and 1 more transcripts); c.3198A>G, p.Ile1066Met (NM_001354897.2); c.3093A>G, p.Ile1031Met (NM_001354898.2); c.3084A>G, p.Ile1028Met (NM_001354899.2); c.3045A>G, p.Ile1015Met (NM_001354900.2); c.2991A>G, p.Ile997Met (NM_001354901.2, NM_001407453.1); and 11 more; short protein forms I1015M, I1056M, I672M, I927M, I1031M, I1038M, I1049M, I973M.
Identifiers: ClinVar variation 1728382 (VCV001728382.4), dbSNP rs2149885904, ClinGen allele CA16028275.

ClinVar aggregate classification (germline): Uncertain significance. Review status: criteria provided, multiple submitters, no conflicts (2 of 4 stars). 2 submissions from 2 submitters: Uncertain significance (2). Last evaluated 2024-08-11.

Conditions:
Familial adenomatous polyposis 1 (FAP1). Also called: FAMILIAL ADENOMATOUS POLYPOSIS 1, ATTENUATED; POLYPOSIS, ADENOMATOUS INTESTINAL. Identifiers: MedGen C2713442, MONDO:0021056, OMIM 175100. Disease mechanism: loss of function.
Hereditary cancer-predisposing syndrome. Also called: Tumor predisposition; Neoplastic Syndromes, Hereditary; Hereditary Cancer Syndrome; Hereditary neoplastic syndrome. Identifiers: Orphanet 140162, MedGen C0027672, MeSH D009386, MONDO:0015356.

Allele frequency attached by ClinVar (database versions not stated): gnomAD exomes below 0.00001.
gnomAD v4.1: 1 of 1,614,158 alleles (0.000062%); highest among the groups gnomAD compares: East Asian, 0.0022%; no homozygotes.

Submissions (2):

Labcorp Genetics (formerly Invitae), Labcorp
Classification: Uncertain significance for Familial adenomatous polyposis 1. Last evaluated: 2024-08-11. Review status: criteria provided, single submitter. Criteria: Invitae Variant Classification Sherloc (09022015). Collection method: clinical testing. Allele origin: germline.
Comment: This sequence change replaces isoleucine, which is neutral and non-polar, with methionine, which is neutral and non-polar, at codon 1056 of the APC protein (p.Ile1056Met). This variant is not present in population databases (gnomAD no frequency). This variant has not been reported in the literature in individuals affected with APC-related conditions. ClinVar contains an entry for this variant (Variation ID: 1728382). Advanced modeling of protein sequence and biophysical properties (such as structural, functional, and spatial information, amino acid conservation, physicochemical variation, residue mobility, and thermodynamic stability) performed at Invitae indicates that this missense variant is not expected to disrupt APC protein function with a negative predictive value of 95%. In summary, the available evidence is currently insufficient to determine the role of this variant in disease. Therefore, it has been classified as a Variant of Uncertain Significance.

Ambry Genetics
Classification: Uncertain significance for Hereditary cancer-predisposing syndrome. Last evaluated: 2022-01-28. Review status: criteria provided, single submitter. Criteria: Ambry Variant Classification Scheme 2023. Collection method: clinical testing. Allele origin: germline.
Comment: The p.I1056M variant (also known as c.3168A>G), located in coding exon 15 of the APC gene, results from an A to G substitution at nucleotide position 3168. The isoleucine at codon 1056 is replaced by methionine, an amino acid with highly similar properties. This alteration has been observed in at least one individual with a personal and/or family history that is consistent with APC-related disease (Ambry internal data). This amino acid position is well conserved in available vertebrate species. In addition, in silico predictors for this gene do not accurately predict pathogenicity. Since supporting evidence is limited at this time, the clinical significance of this alteration remains unclear.